The following is an entry in ClinVar:

NM_014003.4(DHX38):c.1661T>G (p.Val554Gly)

Gene: DHX38 (DEAH-box helicase 38; plus strand). Cytogenetic location: 16q22.2.
Variant type: single nucleotide variant.
Coding change: c.1661T>G on transcript NM_014003.4 (MANE Select); coding-DNA position 1661, T replaced by G.
Protein change: p.Val554Gly; replaces valine 554 with glycine.
Molecular consequence: missense variant.
Genome position (GRCh38, 1-based): chr16:72,103,625, T>G. VCF-style: chr16-72103625-T-G. GRCh37 (hg19) VCF-style: chr16-72137524-T-G.
Other names: short protein forms V554G.
Identifiers: ClinVar variation 1441314 (VCV001441314.7), dbSNP rs374496350, ClinGen allele CA396707840.
Genomic context (GRCh38, chr16:72,103,625, plus strand): 5'-TTCGGCTGATAAGCCCTTTGCCTGCTTGTCCTTGTAGAGACAACAGCATCGTGATCGTGG[T>G]TGGGGAGACGGGGAGTGGTAAGACCACTCAGCTGACGCAGTACCTGCATGAAGATGGTTA-3'
Protein context (NP_054722.2, residues 544-564): IIRDNSIVIV[Val554Gly]GETGSGKTTQ

ClinVar aggregate classification (germline): Uncertain significance. Review status: criteria provided, multiple submitters, no conflicts (2 of 4 stars). 2 submissions from 2 submitters: Uncertain significance (2). Last evaluated 2022-02-18.

gnomAD v4.1: 1 of 1,611,192 alleles (0.000062%); highest among the groups gnomAD compares: Admixed American, 0.0017%; no homozygotes.

Submissions (2):

Labcorp Genetics (formerly Invitae), Labcorp
Classification: Uncertain significance. Last evaluated: 2022-02-18. Review status: criteria provided, single submitter. Criteria: Invitae Variant Classification Sherloc (09022015). Collection method: clinical testing. Allele origin: germline.
Comment: This variant has not been reported in the literature in individuals affected with DHX38-related conditions. In summary, the available evidence is currently insufficient to determine the role of this variant in disease. Therefore, it has been classified as a Variant of Uncertain Significance. Algorithms developed to predict the effect of sequence changes on RNA splicing suggest that this variant may create or strengthen a splice site. Algorithms developed to predict the effect of missense changes on protein structure and function (SIFT, PolyPhen-2, Align-GVGD) all suggest that this variant is likely to be disruptive. This variant is not present in population databases (gnomAD no frequency). This sequence change replaces valine, which is neutral and non-polar, with glycine, which is neutral and non-polar, at codon 554 of the DHX38 protein (p.Val554Gly).

Breakthrough Genomics
Classification: Uncertain significance. Review status: criteria provided, single submitter. Criteria: ACMG Guidelines, 2015. Collection method: not provided. Allele origin: germline. Inheritance: Autosomal recessive inheritance. Affected: yes.